The following is an entry in ClinVar:

NM_014363.6(SACS):c.11194C>T (p.Gln3732Ter)

Gene: SACS (sacsin molecular chaperone; minus strand). Cytogenetic location: 13q12.12.
Variant type: single nucleotide variant.
Coding change: c.11194C>T on transcript NM_014363.6 (MANE Select); coding-DNA position 11194, C replaced by T.
Protein change: p.Gln3732Ter; replaces glutamine 3732 with a stop codon.
Molecular consequence: nonsense.
Genome position (GRCh38, 1-based): chr13:23,332,682, G>A on the plus strand (C>T on the coding strand, the complement: SACS is on the minus strand). VCF-style: chr13-23332682-G-A. GRCh37 (hg19) VCF-style: chr13-23906821-G-A.
Other names: c.10753C>T, p.Gln3585Ter (NM_001278055.2); short protein forms Q3585*, Q3732*.
Identifiers: ClinVar variation 2817603 (VCV002817603.3), dbSNP rs149745343, ClinGen allele CA387510528.

ClinVar aggregate classification (germline): Pathogenic (1 of 4 stars; one submission).

Conditions:
Spastic paraplegia. Identifiers: MedGen C0037772, HP:0001258.

Submission:

Labcorp Genetics (formerly Invitae), Labcorp
Classification: Pathogenic for Spastic paraplegia. Last evaluated: 2022-12-08. Review status: criteria provided, single submitter. Criteria: Invitae Variant Classification Sherloc (09022015). Collection method: clinical testing. Allele origin: germline.
Comment: For these reasons, this variant has been classified as Pathogenic. This variant disrupts a region of the SACS protein in which other variant(s) (p.Asn4549Asp) have been determined to be pathogenic (PMID: 15156359, 21507954). This suggests that this is a clinically significant region of the protein, and that variants that disrupt it are likely to be disease-causing. This variant has not been reported in the literature in individuals affected with SACS-related conditions. This variant is not present in population databases (gnomAD no frequency). This sequence change creates a premature translational stop signal (p.Gln3732*) in the SACS gene. While this is not anticipated to result in nonsense mediated decay, it is expected to disrupt the last 848 amino acid(s) of the SACS protein.

Literature cited by the submitters: PubMed 15156359; PubMed 21507954.